The following is an entry in ClinVar:

ClinVar aggregate classification (germline): Benign. Review status: criteria provided, multiple submitters, no conflicts (2 of 4 stars). 3 submissions from 3 submitters: Benign (3). Last evaluated 2026-08-01.

Allele frequency attached by ClinVar (database versions not stated): 1000 Genomes Project 0.00399; 1000 Genomes Project 30x 0.00437; gnomAD 0.00975 and 0.01003; ESP Exome Variant Server 0.01023; gnomAD exomes 0.01034; ExAC 0.01038.
gnomAD v4.1: 20,250 of 1,613,714 alleles (1.3%); highest among the groups gnomAD compares: Non-Finnish European, 1.5%; 149 homozygotes.

Submissions (3):

CeGaT Center for Human Genetics Tuebingen
Classification: Benign. Last evaluated: 2026-08-01. Review status: criteria provided, single submitter. Criteria: CeGaT Center For Human Genetics Tuebingen Variant Classification Criteria Version 2. Collection method: clinical testing. Allele origin: germline. Affected: yes. Observed: 10 variant alleles.
Comment: TMTC3: BS1, BS2

Labcorp Genetics (formerly Invitae), Labcorp
Classification: Benign. Last evaluated: 2026-01-31. Review status: criteria provided, single submitter. Criteria: Invitae Variant Classification Sherloc (09022015). Collection method: clinical testing. Allele origin: germline.

Breakthrough Genomics
Classification: Benign. Review status: criteria provided, single submitter. Criteria: ACMG Guidelines, 2015. Collection method: not provided. Allele origin: germline. Inheritance: Autosomal recessive inheritance. Affected: yes.

NM_181783.4(TMTC3):c.2426G>A (p.Arg809His)

Gene: TMTC3 (transmembrane O-mannosyltransferase targeting cadherins 3; plus strand). Cytogenetic location: 12q21.32.
Variant type: single nucleotide variant.
Coding change: c.2426G>A on transcript NM_181783.4 (MANE Select); coding-DNA position 2426, G replaced by A.
Protein change: p.Arg809His; replaces arginine 809 with histidine.
Molecular consequence: missense variant. On other transcripts: non-coding transcript variant (1).
Genome position (GRCh38, 1-based): chr12:88,195,330, G>A. VCF-style: chr12-88195330-G-A. GRCh37 (hg19) VCF-style: chr12-88589107-G-A.
Other names: c.2246G>A, p.Arg749His (NM_001366574.1); c.2207G>A, p.Arg736His (NM_001366579.1); c.2159G>A, p.Arg720His (NM_001366580.1); c.1733G>A, p.Arg578His (NM_001366583.1); short protein forms R578H, R720H, R736H, R749H, R809H.
Identifiers: ClinVar variation 1169831 (VCV001169831.23), dbSNP rs111307435, ClinGen allele CA6713476.